The following is an entry in ClinVar:

NM_001267550.2(TTN):c.103327G>A (p.Gly34443Arg)

Genes: TTN (titin; minus strand), TTN-AS1 (TTN antisense RNA 1; plus strand). Cytogenetic location: 2q31.2.
Variant type: single nucleotide variant.
Coding change: c.103327G>A on transcript NM_001267550.2 (MANE Select); coding-DNA position 103327, G replaced by A.
Protein change: p.Gly34443Arg; replaces glycine 34443 with arginine.
Molecular consequence: missense variant.
Genome position (GRCh38, 1-based): chr2:178,533,288, C>T on the plus strand (G>A on the coding strand, the complement: TTN is on the minus strand). VCF-style: chr2-178533288-C-T. GRCh37 (hg19) VCF-style: chr2-179398015-C-T.
Other names: c.98404G>A, p.Gly32802Arg (NM_001256850.1); c.76132G>A, p.Gly25378Arg (NM_003319.4); c.95623G>A, p.Gly31875Arg (NM_133378.4); c.76507G>A, p.Gly25503Arg (NM_133432.3); c.76708G>A, p.Gly25570Arg (NM_133437.4); short protein forms G25378R, G25503R, G25570R, G31875R, G32802R, G34443R.
Identifiers: ClinVar variation 3749988 (VCV003749988.2).

ClinVar aggregate classification (germline): Uncertain significance (1 of 4 stars; one submission).

Conditions:
Autosomal recessive limb-girdle muscular dystrophy type 2J (LGMDR10). Also called: Limb-girdle muscular dystrophy, type 2J; MUSCULAR DYSTROPHY, LIMB-GIRDLE, AUTOSOMAL RECESSIVE 10. Identifiers: Orphanet 140922, MedGen C1837342, MONDO:0012127, OMIM 608807.
Dilated cardiomyopathy 1G (CMD1G). Identifiers: Orphanet 154, MedGen C1858763, MONDO:0011400, OMIM 604145.

Submission:

Labcorp Genetics (formerly Invitae), Labcorp
Classification: Uncertain significance for Dilated cardiomyopathy 1G; Autosomal recessive limb-girdle muscular dystrophy type 2J. Last evaluated: 2024-10-02. Review status: criteria provided, single submitter. Criteria: Invitae Variant Classification Sherloc (09022015). Collection method: clinical testing. Allele origin: germline.
Comment: This sequence change replaces glycine, which is neutral and non-polar, with arginine, which is basic and polar, at codon 34443 of the TTN protein (p.Gly34443Arg). This variant is not present in population databases (gnomAD no frequency). This variant has not been reported in the literature in individuals affected with TTN-related conditions. Experimental studies and prediction algorithms are not available or were not evaluated, and the functional significance of this variant is currently unknown. This variant is located in the M band of TTN (PMID: 25589632). Non-truncating variants in this region may be relevant for neuromuscular disorders, but have not been definitively shown to cause cardiomyopathy (PMID: 23975875). In summary, the available evidence is currently insufficient to determine the role of this variant in disease. Therefore, it has been classified as a Variant of Uncertain Significance.

Literature cited by the submitters: PubMed 25589632; PubMed 23975875.